The following is an entry in ClinVar:

ClinVar aggregate classification (germline): Likely benign. Review status: criteria provided, multiple submitters, no conflicts (2 of 4 stars). 5 submissions from 5 submitters: Likely benign (5). Last evaluated 2025-12-10.

Conditions:
Cardiovascular phenotype. Identifiers: MedGen CN230736.
CACNA1C-related disorder. Also called: CACNA1C-related disorders; CACNA1C-related condition. Identifiers: MedGen CN381092, MONDO:0700321.
Long QT syndrome (LQTS). Identifiers: MedGen C0023976, MeSH D008133, MONDO:0002442. Disease mechanism: loss of function. Inheritance: Various modes of inheritance.

Allele frequency attached by ClinVar (database versions not stated): ExAC 0.00008; gnomAD exomes 0.00010 and 0.00021; 1000 Genomes Project 0.00040; TOPMed 0.00008; gnomAD 0.00011 and 0.00007; 1000 Genomes Project 30x 0.00031.
gnomAD v4.1: 309 of 1,613,760 alleles (0.019%); highest among the groups gnomAD compares: East Asian, 0.41%; 1 homozygote.

Submissions (5):

PreventionGenetics, part of Exact Sciences
Classification: Likely benign for CACNA1C-related condition. Last evaluated: 2025-12-10. Review status: criteria provided, single submitter. Criteria: ACMG Guidelines, 2015. Collection method: clinical testing. Allele origin: germline.
Comment: This variant is classified as likely benign based on ACMG/AMP sequence variant interpretation guidelines (Richards et al. 2015 PMID: 25741868, with internal and published modifications).

Labcorp Genetics (formerly Invitae), Labcorp
Classification: Likely benign for Long QT syndrome. Last evaluated: 2025-11-21. Review status: criteria provided, single submitter. Criteria: Invitae Variant Classification Sherloc (09022015). Collection method: clinical testing. Allele origin: germline.

ARUP Laboratories, Molecular Genetics and Genomics, ARUP Laboratories
Classification: Likely benign. Last evaluated: 2025-04-11. Review status: criteria provided, single submitter. Criteria: ARUP Molecular Germline Variant Investigation Process 2024. Collection method: clinical testing. Allele origin: germline.

Blueprint Genetics
Classification: Likely benign. Last evaluated: 2024-11-20. Review status: criteria provided, single submitter. Criteria: ACMG Guidelines, 2015. Collection method: clinical testing. Allele origin: germline.

Ambry Genetics
Classification: Likely benign for Cardiovascular phenotype. Last evaluated: 2020-01-27. Review status: criteria provided, single submitter. Criteria: Ambry Variant Classification Scheme 2023. Collection method: clinical testing. Allele origin: germline.

NM_000719.7(CACNA1C):c.5729G>A (p.Arg1910Gln)

Genes: CACNA1C (calcium voltage-gated channel subunit alpha1 C; plus strand), CACNA1C-AS1 (CACNA1C antisense RNA 1; minus strand). Cytogenetic location: 12p13.33.
Variant type: single nucleotide variant.
Coding change: c.5729G>A on transcript NM_000719.7 (MANE Select); coding-DNA position 5729, G replaced by A.
Protein change: p.Arg1910Gln; replaces arginine 1910 with glutamine.
Molecular consequence: missense variant.
Genome position (GRCh38, 1-based): chr12:2,686,214, G>A. VCF-style: chr12-2686214-G-A. GRCh37 (hg19) VCF-style: chr12-2795380-G-A.
Other names: c.5873G>A, p.Arg1958Gln (NM_001129827.2); c.5852G>A, p.Arg1951Gln (NM_001129829.2); c.5834G>A, p.Arg1945Gln (NM_001129830.3, NM_001167624.3); c.5813G>A, p.Arg1938Gln (NM_001129831.2); c.5789G>A, p.Arg1930Gln (NM_001129832.2); c.5786G>A, p.Arg1929Gln (NM_001129833.2, NM_001129834.2, NM_001129835.2); c.5780G>A, p.Arg1927Gln (NM_001129836.2); c.5753G>A, p.Arg1918Gln (NM_001129837.2, NM_001129838.2); and 6 more; short protein forms R1910Q, R1945Q, R1958Q, R1899Q, R1927Q, R1916Q, R1929Q, R1938Q.
Identifiers: ClinVar variation 456983 (VCV000456983.28), dbSNP rs190288386, ClinGen allele CA6389957.